The following is an entry in ClinVar:

NM_016188.5(ACTL6B):c.1157G>A (p.Arg386His)

Gene: ACTL6B (actin like 6B; minus strand). Cytogenetic location: 7q22.1.
Variant type: single nucleotide variant.
Coding change: c.1157G>A on transcript NM_016188.5 (MANE Select); coding-DNA position 1157, G replaced by A.
Protein change: p.Arg386His; replaces arginine 386 with histidine.
Molecular consequence: missense variant. On other transcripts: non-coding transcript variant (1).
Genome position (GRCh38, 1-based): chr7:100,646,292, C>T on the plus strand (G>A on the coding strand, the complement: ACTL6B is on the minus strand). VCF-style: chr7-100646292-C-T. GRCh37 (hg19) VCF-style: chr7-100243915-C-T.
Other names: short protein forms R386H.
Identifiers: ClinVar variation 3376620 (VCV003376620.1).

ClinVar aggregate classification (germline): Uncertain significance (1 of 4 stars; one submission).

Conditions:
Intellectual developmental disorder with severe speech and ambulation defects. Identifiers: MedGen C5193115, MONDO:0032770, OMIM 618470.

gnomAD v4.1: 3 of 1,614,074 alleles (0.00019%); highest among the groups gnomAD compares: Non-Finnish European, 0.00025%; no homozygotes.

Submission:

Victorian Clinical Genetics Services, Murdoch Childrens Research Institute
Classification: Uncertain significance for Intellectual developmental disorder with severe speech and ambulation defects. Last evaluated: 2023-07-17. Review status: criteria provided, single submitter. Criteria: ACMG Guidelines, 2015. Collection method: clinical testing. Allele origin: germline. Inheritance: Autosomal dominant inheritance. Affected: yes.
Comment: Based on the classification scheme VCGS_Germline_v1.3.4, this variant is classified as VUS-3B. Following criteria are met: 0102 - Loss of function is a known mechanism of disease in this gene and is associated with recessive developmental and epileptic encephalopathy 76 (MIM#618468). Gain of function is the suggested mechanism for dominant intellectual developmental disorder with severe speech and ambulation defects (MIM#618470) (PMID: 31031012). (I) 0108 - This gene is associated with both recessive and dominant disease. Only missense variants have been reported for the dominant condition (PMID: 31031012, OMIM). (I) 0200 - Variant is predicted to result in a missense amino acid change from arginine to histidine. (I) 0251 - This variant is heterozygous. (I) 0301 - Variant is absent from gnomAD (both v2 and v3). (SP) 0501 - Missense variant consistently predicted to be damaging by multiple in silico tools or highly conserved with a major amino acid change. (SP) 0603 - Missense variant in a region that is highly intolerant to missense variation (high constraint region in DECIPHER). (SP) 0705 - No comparable missense variants have previous evidence for pathogenicity. (I) 0807 - This variant has no previous evidence of pathogenicity. (I) 0905 - No published segregation evidence has been identified for this variant. (I) 1007 - No published functional evidence has been identified for this variant. (I) Legend: (SP) - Supporting pathogenic, (I) - Information, (SB) - Supporting benign

Literature cited by the submitters: PubMed 31031012.